The following is an entry in ClinVar:

ClinVar aggregate classification (germline): Uncertain significance. Review status: criteria provided, multiple submitters, no conflicts (2 of 4 stars). 2 submissions from 2 submitters: Uncertain significance (2). Last evaluated 2024-05-16.

Conditions:
Hereditary cancer-predisposing syndrome. Also called: Tumor predisposition; Hereditary neoplastic syndrome; Neoplastic Syndromes, Hereditary; Hereditary Cancer Syndrome. Identifiers: Orphanet 140162, MedGen C0027672, MeSH D009386, MONDO:0015356.
Familial cancer of breast. Also called: BREAST CANCER, FAMILIAL; Hereditary breast cancer; hereditary breast carcinoma. Identifiers: Orphanet 227535, MedGen C0346153, MONDO:0016419, OMIM 114480. Disease mechanism: loss of function.

Submissions (2):

Labcorp Genetics (formerly Invitae), Labcorp
Classification: Uncertain significance for Familial cancer of breast. Last evaluated: 2024-05-16. Review status: criteria provided, single submitter. Criteria: Invitae Variant Classification Sherloc (09022015). Collection method: clinical testing. Allele origin: germline.
Comment: This sequence change replaces aspartic acid, which is acidic and polar, with glutamic acid, which is acidic and polar, at codon 500 of the BARD1 protein (p.Asp500Glu). This variant is not present in population databases (gnomAD no frequency). This variant has not been reported in the literature in individuals affected with BARD1-related conditions. ClinVar contains an entry for this variant (Variation ID: 1489516). An algorithm developed to predict the effect of missense changes on protein structure and function (PolyPhen-2) suggests that this variant is likely to be disruptive. In summary, the available evidence is currently insufficient to determine the role of this variant in disease. Therefore, it has been classified as a Variant of Uncertain Significance.

Ambry Genetics
Classification: Uncertain significance for Hereditary cancer-predisposing syndrome. Last evaluated: 2023-08-25. Review status: criteria provided, single submitter. Criteria: Ambry Variant Classification Scheme 2023. Collection method: clinical testing. Allele origin: germline.
Comment: The p.D500E variant (also known as c.1500T>G), located in coding exon 6 of the BARD1 gene, results from a T to G substitution at nucleotide position 1500. The aspartic acid at codon 500 is replaced by glutamic acid, an amino acid with highly similar properties. This amino acid position is conserved. In addition, the in silico prediction for this alteration is inconclusive. Since supporting evidence is limited at this time, the clinical significance of this alteration remains unclear.

NM_000465.4(BARD1):c.1500T>G (p.Asp500Glu)

Gene: BARD1 (BRCA1 associated RING domain 1; minus strand). Cytogenetic location: 2q35.
Variant type: single nucleotide variant.
Coding change: c.1500T>G on transcript NM_000465.4 (MANE Select); coding-DNA position 1500, T replaced by G.
Protein change: p.Asp500Glu; replaces aspartic acid 500 with glutamic acid.
Molecular consequence: missense variant. On other transcripts: non-coding transcript variant (3), intron variant (3).
Genome position (GRCh38, 1-based): chr2:214,767,550, A>C on the plus strand (T>G on the coding strand, the complement: BARD1 is on the minus strand). VCF-style: chr2-214767550-A-C. GRCh37 (hg19) VCF-style: chr2-215632274-A-C.
Other names: c.1443T>G, p.Asp481Glu (NM_001282543.2); c.159-14995T>G (NM_001282548.2); c.216-14995T>G (NM_001282545.2); c.364+24747T>G (NM_001282549.2); c.1500T>G (NM_000465.2); short protein forms D481E, D500E.
Identifiers: ClinVar variation 1489516 (VCV001489516.10), dbSNP rs1694266892, ClinGen allele CA350448350.